The following is an entry in ClinVar:

NM_000553.6(WRN):c.594C>G (p.Ser198Arg)

Gene: WRN (WRN RecQ like helicase; plus strand). Cytogenetic location: 8p12.
Variant type: single nucleotide variant.
Coding change: c.594C>G on transcript NM_000553.6 (MANE Select); coding-DNA position 594, C replaced by G.
Protein change: p.Ser198Arg; replaces serine 198 with arginine.
Molecular consequence: missense variant.
Genome position (GRCh38, 1-based): chr8:31,067,122, C>G. VCF-style: chr8-31067122-C-G. GRCh37 (hg19) VCF-style: chr8-30924638-C-G.
Other names: short protein forms S198R.
Identifiers: ClinVar variation 2049584 (VCV002049584.4), dbSNP rs2130050128, ClinGen allele CA370916203.

ClinVar aggregate classification (germline): Uncertain significance (1 of 4 stars; one submission).

Conditions:
Werner syndrome (WRN). Identifiers: Orphanet 902, MedGen C0043119, MONDO:0010196, OMIM 277700.

gnomAD v4.1: 3 of 1,613,908 alleles (0.00019%); highest among the groups gnomAD compares: African/African-American, 0.0027%; no homozygotes.

Submission:

Labcorp Genetics (formerly Invitae), Labcorp
Classification: Uncertain significance for Werner syndrome. Last evaluated: 2022-09-15. Review status: criteria provided, single submitter. Criteria: Invitae Variant Classification Sherloc (09022015). Collection method: clinical testing. Allele origin: germline.
Comment: In summary, the available evidence is currently insufficient to determine the role of this variant in disease. Therefore, it has been classified as a Variant of Uncertain Significance. Algorithms developed to predict the effect of missense changes on protein structure and function are either unavailable or do not agree on the potential impact of this missense change (SIFT: "Not Available"; PolyPhen-2: "Probably Damaging"; Align-GVGD: "Not Available"). This variant has not been reported in the literature in individuals affected with WRN-related conditions. This sequence change replaces serine, which is neutral and polar, with arginine, which is basic and polar, at codon 198 of the WRN protein (p.Ser198Arg). This variant is not present in population databases (gnomAD no frequency).